The following is an entry in ClinVar:

ClinVar aggregate classification (germline): Benign/Likely benign. Review status: criteria provided, multiple submitters, no conflicts (2 of 4 stars). 10 submissions from 10 submitters: Benign (4); Likely benign (3). 3 of the submissions do not count toward it. Last evaluated 2026-07-14.

Conditions:
Xeroderma pigmentosum, group C (XPC). Also called: Xeroderma pigmentosum, complementation group C; XERODERMA PIGMENTOSUM III; XP, GROUP C; XPC-Related Xeroderma Pigmentosum. Identifiers: Orphanet 910, MedGen C2752147, MONDO:0010211, OMIM 278720.
XPC-related disorder. Also called: XPC-related condition.

Allele frequency attached by ClinVar (database versions not stated): gnomAD exomes 0.00057 and 0.00137; ExAC 0.00179; 1000 Genomes Project 0.00419; 1000 Genomes Project 30x 0.00437; gnomAD 0.00593 and 0.00642; TOPMed 0.00691; ESP Exome Variant Server 0.00726.
gnomAD v4.1: 1,756 of 1,613,286 alleles (0.11%); highest among the groups gnomAD compares: African/African-American, 2.1%; 20 homozygotes.

Submissions (10):

PreventionGenetics, part of Exact Sciences
Classification: Benign for XPC-related condition. Last evaluated: 2026-07-14. Review status: criteria provided, single submitter. Criteria: ACMG Guidelines, 2015. Collection method: clinical testing. Allele origin: germline.
Comment: This variant is classified as benign based on ACMG/AMP sequence variant interpretation guidelines (Richards et al. 2015 PMID: 25741868, with internal and published modifications).

Labcorp Genetics (formerly Invitae), Labcorp
Classification: Benign. Last evaluated: 2026-02-04. Review status: criteria provided, single submitter. Criteria: Invitae Variant Classification Sherloc (09022015). Collection method: clinical testing. Allele origin: germline.

Blueprint Genetics
Classification: Likely benign. Last evaluated: 2024-11-25. Review status: criteria provided, single submitter. Criteria: ACMG Guidelines, 2015. Collection method: clinical testing. Allele origin: germline.

GeneDx
Classification: Likely benign. Last evaluated: 2022-03-02. Review status: criteria provided, single submitter. Criteria: GeneDx Variant Classification Process June 2021. Collection method: clinical testing. Allele origin: germline. Affected: yes.

Genome-Nilou Lab
Classification: Benign for Xeroderma pigmentosum, group C. Last evaluated: 2021-12-05. Review status: criteria provided, single submitter. Criteria: ACMG Guidelines, 2015. Collection method: clinical testing. Allele origin: germline. Affected: no.

Illumina Laboratory Services, Illumina
Classification: Benign for Xeroderma pigmentosum, group C. Last evaluated: 2018-01-12. Review status: criteria provided, single submitter. Criteria: ICSL Variant Classification Criteria 13 December 2019. Collection method: clinical testing. Allele origin: germline.
Comment: This variant was observed in the ICSL laboratory as part of a predisposition screen in an ostensibly healthy population. It had not been previously curated by ICSL or reported in the Human Gene Mutation Database (HGMD: prior to June 1st, 2018), and was therefore a candidate for classification through an automated scoring system. Utilizing variant allele frequency, disease prevalence and penetrance estimates, and inheritance mode, an automated score was calculated to assess if this variant is too frequent to cause the disease. Based on the score and internal cut-off values, a variant classified as benign is not then subjected to further curation. The score for this variant resulted in a classification of benign for this disease.

Breakthrough Genomics
Classification: Likely benign. Review status: criteria provided, single submitter. Criteria: ACMG Guidelines, 2015. Collection method: not provided. Allele origin: germline. Inheritance: Autosomal recessive inheritance. Affected: yes.

ITMI
No classification provided. Condition: AllHighlyPenetrant. Last evaluated: 2013-09-19. Review status: no classification provided. Collection method: reference population. Allele origin: germline. Not counted in ClinVar's aggregate classification.
Comment: Please see associated publication for description of ethnicities

Clinical Genetics DNA and cytogenetics Diagnostics Lab, Erasmus MC, Erasmus Medical Center
Classification: Benign. Review status: no assertion criteria provided. Collection method: clinical testing. Allele origin: germline. Affected: yes. Study: VKGL Data-share Consensus. Not counted in ClinVar's aggregate classification.

Laboratory of Diagnostic Genome Analysis, Leiden University Medical Center (LUMC)
Classification: Likely benign. Review status: no assertion criteria provided. Collection method: clinical testing. Allele origin: germline. Affected: yes. Study: VKGL Data-share Consensus. Not counted in ClinVar's aggregate classification.

Literature cited by the submitters: PubMed 24728327 (cited by ITMI).

NM_004628.5(XPC):c.860T>G (p.Phe287Cys)

Gene: XPC (XPC complex subunit, DNA damage recognition and repair factor; minus strand). Cytogenetic location: 3p25.1.
Variant type: single nucleotide variant.
Coding change: c.860T>G on transcript NM_004628.5 (MANE Select); coding-DNA position 860, T replaced by G.
Protein change: p.Phe287Cys; replaces phenylalanine 287 with cysteine.
Molecular consequence: missense variant. On other transcripts: non-coding transcript variant (2).
Genome position (GRCh38, 1-based): chr3:14,164,853, A>C on the plus strand (T>G on the coding strand, the complement: XPC is on the minus strand). VCF-style: chr3-14164853-A-C. GRCh37 (hg19) VCF-style: chr3-14206353-A-C.
Other names: c.281T>G, p.Phe94Cys (NM_001354726.2); c.860T>G, p.Phe287Cys (NM_001354727.2, NM_001354730.2); c.842T>G, p.Phe281Cys (NM_001354729.2); short protein forms F287C, F281C, F94C.
Identifiers: ClinVar variation 135482 (VCV000135482.24), dbSNP rs35629274, ClinGen allele CA162904.